The following is an entry in ClinVar:

NM_006445.4(PRPF8):c.5870A>T (p.Asp1957Val)

Gene: PRPF8 (pre-mRNA processing factor 8; minus strand). Cytogenetic location: 17p13.3.
Variant type: single nucleotide variant.
Coding change: c.5870A>T on transcript NM_006445.4 (MANE Select); coding-DNA position 5870, A replaced by T.
Protein change: p.Asp1957Val; replaces aspartic acid 1957 with valine.
Molecular consequence: missense variant.
Genome position (GRCh38, 1-based): chr17:1,655,467, T>A on the plus strand (A>T on the coding strand, the complement: PRPF8 is on the minus strand). VCF-style: chr17-1655467-T-A. GRCh37 (hg19) VCF-style: chr17-1558761-T-A.
Other names: short protein forms D1957V.
Identifiers: ClinVar variation 1387702 (VCV001387702.6), dbSNP rs1567676517, ClinGen allele CA397569544.

ClinVar aggregate classification (germline): Uncertain significance (1 of 4 stars; one submission).

Submission:

Labcorp Genetics (formerly Invitae), Labcorp
Classification: Uncertain significance. Last evaluated: 2021-10-18. Review status: criteria provided, single submitter. Criteria: Invitae Variant Classification Sherloc (09022015). Collection method: clinical testing. Allele origin: germline.
Comment: This sequence change replaces aspartic acid with valine at codon 1957 of the PRPF8 protein (p.Asp1957Val). The aspartic acid residue is highly conserved and there is a large physicochemical difference between aspartic acid and valine. This variant is not present in population databases (ExAC no frequency). In summary, the available evidence is currently insufficient to determine the role of this variant in disease. Therefore, it has been classified as a Variant of Uncertain Significance. Algorithms developed to predict the effect of missense changes on protein structure and function are either unavailable or do not agree on the potential impact of this missense change (SIFT: "Deleterious"; PolyPhen-2: "Benign"; Align-GVGD: "Class C15"). This variant has not been reported in the literature in individuals affected with PRPF8-related conditions.